The following is an entry in ClinVar:

ClinVar aggregate classification (germline): Uncertain significance (1 of 4 stars; one submission).

Conditions:
Hereditary cancer-predisposing syndrome. Also called: Hereditary Cancer Syndrome; Neoplastic Syndromes, Hereditary; Tumor predisposition; Hereditary neoplastic syndrome. Identifiers: Orphanet 140162, MedGen C0027672, MeSH D009386, MONDO:0015356.

Submission:

Ambry Genetics
Classification: Uncertain significance for Hereditary cancer-predisposing syndrome. Last evaluated: 2026-07-07. Review status: criteria provided, single submitter. Criteria: Ambry Variant Classification Scheme 2023. Collection method: clinical testing. Allele origin: germline.
Comment: The p.I41N variant (also known as c.122T>A), located in coding exon 1 of the DICER1 gene, results from a T to A substitution at nucleotide position 122. The isoleucine at codon 41 is replaced by asparagine, an amino acid with dissimilar properties. This amino acid position is conserved. In addition, this alteration is predicted to be deleterious by in silico analysis. Based on the available evidence, the clinical significance of this variant remains unclear.

NM_177438.3(DICER1):c.122T>A (p.Ile41Asn)

Gene: DICER1 (dicer 1, ribonuclease III; minus strand). Cytogenetic location: 14q32.13.
Variant type: single nucleotide variant.
Coding change: c.122T>A on transcript NM_177438.3 (MANE Select); coding-DNA position 122, T replaced by A.
Protein change: p.Ile41Asn; replaces isoleucine 41 with asparagine.
Molecular consequence: missense variant. On other transcripts: 5 prime UTR variant (8), non-coding transcript variant (6), intron variant (1).
Genome position (GRCh38, 1-based): chr14:95,133,337, A>T on the plus strand (T>A on the coding strand, the complement: DICER1 is on the minus strand). VCF-style: chr14-95133337-A-T. GRCh37 (hg19) VCF-style: chr14-95599674-A-T.
Other names: c.122T>A, p.Ile41Asn (NM_001195573.1, NM_001271282.3, NM_001291628.2 and 14 more transcripts); c.-153T>A (NM_001395686.1, NM_001395688.1, NM_001395689.1 and 3 more transcripts); c.-337T>A (NM_001395691.1); c.-1447T>A (NM_001395697.1); c.-130-660T>A (NM_001395687.1); short protein forms I41N.
Identifiers: ClinVar variation 5035284 (VCV005035284.1).